The following is an entry in ClinVar:

ClinVar aggregate classification (germline): Benign/Likely benign. Review status: criteria provided, multiple submitters, no conflicts (2 of 4 stars). 4 submissions from 4 submitters: Benign (1); Likely benign (2). 1 of the submissions does not count toward it. Last evaluated 2025-03-23.

Conditions:
NOTCH3-related disorder. Also called: NOTCH3-related condition; NOTCH3-related disorders.

Allele frequency attached by ClinVar (database versions not stated): gnomAD exomes 0.00003 and 0.00004; ExAC 0.00008; gnomAD 0.00021 and 0.00022; TOPMed 0.00029; 1000 Genomes Project 0.00040; 1000 Genomes Project 30x 0.00047.
gnomAD v4.1: 78 of 1,539,674 alleles (0.0051%); highest among the groups gnomAD compares: African/African-American, 0.089%; no homozygotes.

Submissions (4):

Labcorp Genetics (formerly Invitae), Labcorp
Classification: Likely benign. Last evaluated: 2025-03-23. Review status: criteria provided, single submitter. Criteria: Invitae Variant Classification Sherloc (09022015). Collection method: clinical testing. Allele origin: germline.

Blueprint Genetics
Classification: Likely benign. Last evaluated: 2023-11-13. Review status: criteria provided, single submitter. Criteria: ACMG Guidelines, 2015. Collection method: clinical testing. Allele origin: germline.

Athena Diagnostics
Classification: Benign. Last evaluated: 2017-06-28. Review status: criteria provided, single submitter. Criteria: Athena Diagnostics Criteria. Collection method: clinical testing. Allele origin: germline.

PreventionGenetics, part of Exact Sciences
Classification: Likely benign for NOTCH3-related condition. Last evaluated: 2021-04-23. Review status: no assertion criteria provided. Collection method: clinical testing. Allele origin: germline. Not counted in ClinVar's aggregate classification.
Comment: This variant is classified as likely benign based on ACMG/AMP sequence variant interpretation guidelines (Richards et al. 2015 PMID: 25741868, with internal and published modifications).

NM_000435.3(NOTCH3):c.6504G>C (p.Val2168=)

Gene: NOTCH3 (notch receptor 3; minus strand). Cytogenetic location: 19p13.12.
Variant type: single nucleotide variant.
Coding change: c.6504G>C on transcript NM_000435.3 (MANE Select); coding-DNA position 6504, G replaced by C.
Protein change: p.Val2168=; no amino-acid change (valine 2168 retained).
Molecular consequence: synonymous variant.
Genome position (GRCh38, 1-based): chr19:15,161,124, C>G on the plus strand (G>C on the coding strand, the complement: NOTCH3 is on the minus strand). VCF-style: chr19-15161124-C-G. GRCh37 (hg19) VCF-style: chr19-15271935-C-G.
Identifiers: ClinVar variation 447865 (VCV000447865.6), dbSNP rs546608637, ClinGen allele CA9262365.